The following is an entry in ClinVar:

ClinVar aggregate classification (germline): Likely benign (0 of 4 stars; one submission).

Conditions:
RABL3-related disorder. Also called: RABL3-related condition.

gnomAD v4.1: 46 of 1,613,650 alleles (0.0029%); highest among the groups gnomAD compares: African/African-American, 0.053%; no homozygotes.

Submissions (2):

PreventionGenetics, part of Exact Sciences
Classification: Likely benign for RABL3-related condition. Last evaluated: 2024-06-10. Review status: no assertion criteria provided. Collection method: clinical testing. Allele origin: germline.
Comment: This variant is classified as likely benign based on ACMG/AMP sequence variant interpretation guidelines (Richards et al. 2015 PMID: 25741868, with internal and published modifications).

Dr. Peter K. Rogan Lab, Western University
No classification provided (evidence only). Condition: Cervical cancer. Review status: no classification provided. Collection method: in vitro. Allele origin: not applicable. Functional consequence: skipped exon, retained intron. Not counted in ClinVar's aggregate classification.

NM_173825.5(RABL3):c.509A>T (p.Asp170Val)

Gene: RABL3 (RAB, member of RAS oncogene family like 3; minus strand). Cytogenetic location: 3q13.33.
Variant type: single nucleotide variant.
Coding change: c.509A>T on transcript NM_173825.5 (MANE Select); coding-DNA position 509, A replaced by T.
Protein change: p.Asp170Val; replaces aspartic acid 170 with valine.
Molecular consequence: missense variant. On other transcripts: non-coding transcript variant (1).
Genome position (GRCh38, 1-based): chr3:120,698,448, T>A on the plus strand (A>T on the coding strand, the complement: RABL3 is on the minus strand). VCF-style: chr3-120698448-T-A. GRCh37 (hg19) VCF-style: chr3-120417295-T-A.
Other names: NC_000003.11:g.120417295T>A; c.509A>T, p.Asp170Val (NM_001363964.1, NM_001363965.1); short protein forms D170V.
Identifiers: ClinVar variation 3348736 (VCV003348736.2).